The following is an entry in ClinVar:

NM_004655.4(AXIN2):c.553A>G (p.Asn185Asp)

Gene: AXIN2 (axin 2; minus strand). Cytogenetic location: 17q24.1.
Variant type: single nucleotide variant.
Coding change: c.553A>G on transcript NM_004655.4 (MANE Select); coding-DNA position 553, A replaced by G.
Protein change: p.Asn185Asp; replaces asparagine 185 with aspartic acid.
Molecular consequence: missense variant.
Genome position (GRCh38, 1-based): chr17:65,558,068, T>C on the plus strand (A>G on the coding strand, the complement: AXIN2 is on the minus strand). VCF-style: chr17-65558068-T-C. GRCh37 (hg19) VCF-style: chr17-63554186-T-C.
Other names: c.553A>G (LRG_296t1); c.553A>G, p.Asn185Asp (NM_001363813.1); short protein forms N185D.
Identifiers: ClinVar variation 643572 (VCV000643572.17), dbSNP rs1301940236, ClinGen allele CA400680914.
Genomic context (GRCh38, chr17:65,558,068, plus strand): 5'-CTCCCCCACTCCTCACATATTCGAGGTATATATCAGAAGTCAAAAACATCTGGTAGGCAT[T>C]TTCCTCCATCACCGACTGGATCTCGGTCTGCGCCTGGTCAAACATGATGGAATCAATCTG-3'
Protein context (NP_004646.3, residues 175-195): QTEIQSVMEE[Asn185Asp]AYQMFLTSDI

ClinVar aggregate classification (germline): Conflicting classifications of pathogenicity. Review status: criteria provided, conflicting classifications (1 of 4 stars). 3 submissions from 3 submitters: Uncertain significance (2); Likely benign (1). Last evaluated 2024-04-19.

Conditions:
Hereditary cancer-predisposing syndrome. Also called: Neoplastic Syndromes, Hereditary; Tumor predisposition; Hereditary neoplastic syndrome; Hereditary Cancer Syndrome. Identifiers: Orphanet 140162, MedGen C0027672, MeSH D009386, MONDO:0015356.
Oligodontia-cancer predisposition syndrome. Also called: TOOTH AGENESIS-COLORECTAL CANCER SYNDROME. Identifiers: Orphanet 300576, MedGen C1837750, MONDO:0012075, OMIM 608615. Disease mechanism: loss of function.

gnomAD v4.1: 1 of 1,614,180 alleles (0.000062%); highest among the groups gnomAD compares: Non-Finnish European, 0.000085%; no homozygotes.

Submissions (3):

Ambry Genetics
Classification: Likely benign for Hereditary cancer-predisposing syndrome. Last evaluated: 2024-04-19. Review status: criteria provided, single submitter. Criteria: Ambry Variant Classification Scheme 2023. Collection method: clinical testing. Allele origin: germline.

Labcorp Genetics (formerly Invitae), Labcorp
Classification: Uncertain significance for Oligodontia-cancer predisposition syndrome. Last evaluated: 2020-08-26. Review status: criteria provided, single submitter. Criteria: Invitae Variant Classification Sherloc (09022015). Collection method: clinical testing. Allele origin: germline.
Comment: In summary, the available evidence is currently insufficient to determine the role of this variant in disease. Therefore, it has been classified as a Variant of Uncertain Significance. Algorithms developed to predict the effect of missense changes on protein structure and function are either unavailable or do not agree on the potential impact of this missense change (SIFT: "Deleterious"; PolyPhen-2: "Possibly Damaging"; Align-GVGD: "Class C15"). This variant has not been reported in the literature in individuals with AXIN2-related disease. This sequence change replaces asparagine with aspartic acid at codon 185 of the AXIN2 protein (p.Asn185Asp). The asparagine residue is highly conserved and there is a small physicochemical difference between asparagine and aspartic acid. This variant is not present in population databases (ExAC no frequency).

GeneDx
Classification: Uncertain significance. Last evaluated: 2019-05-01. Review status: criteria provided, single submitter. Criteria: GeneDx Variant Classification Process June 2021. Collection method: clinical testing. Allele origin: germline. Affected: yes.
Comment: Not observed in large population cohorts (Lek et al., 2016); In silico analysis, which includes protein predictors and evolutionary conservation, supports a deleterious effect; Has not been previously published as pathogenic or benign to our knowledge